The following is an entry in ClinVar:

NM_000038.6(APC):c.7321T>A (p.Ser2441Thr)

Gene: APC (APC regulator of Wnt signaling pathway; plus strand). Cytogenetic location: 5q22.2.
Variant type: single nucleotide variant.
Coding change: c.7321T>A on transcript NM_000038.6 (MANE Select); coding-DNA position 7321, T replaced by A.
Protein change: p.Ser2441Thr; replaces serine 2441 with threonine.
Molecular consequence: missense variant.
Genome position (GRCh38, 1-based): chr5:112,842,915, T>A. VCF-style: chr5-112842915-T-A. GRCh37 (hg19) VCF-style: chr5-112178612-T-A.
Other names: c.7321T>A, p.Ser2441Thr (NM_001127510.3, NM_001354895.2); c.7267T>A, p.Ser2423Thr (NM_001127511.3); c.7375T>A, p.Ser2459Thr (NM_001354896.2); c.7351T>A, p.Ser2451Thr (NM_001354897.2); c.7246T>A, p.Ser2416Thr (NM_001354898.2); c.7237T>A, p.Ser2413Thr (NM_001354899.2); c.7198T>A, p.Ser2400Thr (NM_001354900.2); c.7144T>A, p.Ser2382Thr (NM_001354901.2); and 6 more; short protein forms S2158T, S2281T, S2315T, S2340T, S2350T, S2382T, S2400T, S2413T.
Identifiers: ClinVar variation 1006546 (VCV001006546.11), dbSNP rs1766448031, ClinGen allele CA16037273.
Genomic context (GRCh38, chr5:112,842,915, plus strand): 5'-TCAACTAAATCAAGTGGAAGTGAATCTGATAGATCAGAAAGACCTGTATTAGTACGCCAG[T>A]CAACTTTCATCAAAGAAGCTCCAAGCCCAACCTTAAGAAGAAAATTGGAGGAATCTGCTT-3'
Protein context (NP_000029.2, residues 2431-2451): RSERPVLVRQ[Ser2441Thr]TFIKEAPSPT

ClinVar aggregate classification (germline): Uncertain significance. Review status: criteria provided, multiple submitters, no conflicts (2 of 4 stars). 2 submissions from 2 submitters: Uncertain significance (2). Last evaluated 2026-06-25.

Conditions:
Hereditary cancer-predisposing syndrome. Also called: Tumor predisposition; Hereditary Cancer Syndrome; Hereditary neoplastic syndrome; Neoplastic Syndromes, Hereditary. Identifiers: Orphanet 140162, MedGen C0027672, MeSH D009386, MONDO:0015356.
Familial adenomatous polyposis 1 (FAP1). Also called: POLYPOSIS, ADENOMATOUS INTESTINAL; FAMILIAL ADENOMATOUS POLYPOSIS 1, ATTENUATED. Identifiers: MedGen C2713442, MONDO:0021056, OMIM 175100. Disease mechanism: loss of function.

Submissions (2):

Ambry Genetics
Classification: Uncertain significance for Hereditary cancer-predisposing syndrome. Last evaluated: 2026-06-25. Review status: criteria provided, single submitter. Criteria: Ambry Variant Classification Scheme 2023. Collection method: clinical testing. Allele origin: germline.
Comment: The p.S2441T variant (also known as c.7321T>A), located in coding exon 15 of the APC gene, results from a T to A substitution at nucleotide position 7321. The serine at codon 2441 is replaced by threonine, an amino acid with similar properties. This amino acid position is conserved. In addition, in silico predictors for this gene do not accurately predict pathogenicity. Based on the available evidence, the clinical significance of this variant remains unclear.

Labcorp Genetics (formerly Invitae), Labcorp
Classification: Uncertain significance for Familial adenomatous polyposis 1. Last evaluated: 2022-04-01. Review status: criteria provided, single submitter. Criteria: Invitae Variant Classification Sherloc (09022015). Collection method: clinical testing. Allele origin: germline.
Comment: Algorithms developed to predict the effect of missense changes on protein structure and function are either unavailable or do not agree on the potential impact of this missense change (SIFT: "Tolerated"; PolyPhen-2: "Probably Damaging"; Align-GVGD: "Class C0"). ClinVar contains an entry for this variant (Variation ID: 1006546). This variant has not been reported in the literature in individuals affected with APC-related conditions. This variant is not present in population databases (gnomAD no frequency). This sequence change replaces serine, which is neutral and polar, with threonine, which is neutral and polar, at codon 2441 of the APC protein (p.Ser2441Thr). In summary, the available evidence is currently insufficient to determine the role of this variant in disease. Therefore, it has been classified as a Variant of Uncertain Significance.